The following is an entry in ClinVar:

ClinVar aggregate classification (germline): Uncertain significance (1 of 4 stars; one submission).

Conditions:
Malignant hyperthermia, susceptibility to, 1 (MHS1). Also called: Anesthesia related hyperthermia; Malignant hyperpyrexia; Fulminating hyperpyrexia; Pharmacogenic myopathy; RYR1-Related Malignant Hyperthermia Susceptibility; Malignant hyperthermia suceptibility 1. Identifiers: Orphanet 423, MedGen C2930980, MONDO:0007783, OMIM 145600.

Allele frequency attached by ClinVar (database versions not stated): gnomAD exomes below 0.00001.
gnomAD v4.1: 5 of 1,613,890 alleles (0.00031%); highest among the groups gnomAD compares: Non-Finnish European, 0.00042%; no homozygotes.

Submission:

All of Us Research Program, National Institutes of Health
Classification: Uncertain significance for Malignant hyperthermia, susceptibility to, 1. Last evaluated: 2023-05-31. Review status: criteria provided, single submitter. Criteria: ACMG Guidelines, 2015. Collection method: clinical testing. Allele origin: germline. Inheritance: Autosomal dominant inheritance. Observed: 1 variant allele, 1 heterozygote.
Comment: This study involves interpretation of variants in research participants for the purpose of population health screening. Participant phenotype was not available at the time of variant classification. Additional details can be found in publication PMID: 35346344, PMCID: PMC8962531

NM_000540.3(RYR1):c.3821G>A (p.Arg1274His)

Gene: RYR1 (ryanodine receptor 1; plus strand). Cytogenetic location: 19q13.2.
Variant type: single nucleotide variant.
Coding change: c.3821G>A on transcript NM_000540.3 (MANE Select); coding-DNA position 3821, G replaced by A.
Protein change: p.Arg1274His; replaces arginine 1274 with histidine.
Molecular consequence: missense variant.
Genome position (GRCh38, 1-based): chr19:38,473,432, G>A. VCF-style: chr19-38473432-G-A. GRCh37 (hg19) VCF-style: chr19-38964072-G-A.
Other names: c.3821G>A, p.Arg1274His (NM_001042723.2); short protein forms R1274H.
Identifiers: ClinVar variation 3071407 (VCV003071407.1), dbSNP rs1474098949, ClinGen allele CA405641562.